The following is an entry in ClinVar:

ClinVar aggregate classification (germline): Benign (0 of 4 stars; one submission).

Conditions:
QRICH2-related disorder. Also called: QRICH2-related condition.

Allele frequency attached by ClinVar (database versions not stated): gnomAD exomes 0.29650; ExAC 0.32551; gnomAD 0.34704; ESP Exome Variant Server 0.34815; TOPMed 0.35888; 1000 Genomes Project 30x 0.40568; 1000 Genomes Project 0.40795.

Submission:

PreventionGenetics, part of Exact Sciences
Classification: Benign for QRICH2-related condition. Last evaluated: 2019-10-18. Review status: no assertion criteria provided. Collection method: clinical testing. Allele origin: germline.
Comment: This variant is classified as benign based on ACMG/AMP sequence variant interpretation guidelines (Richards et al. 2015 PMID: 25741868, with internal and published modifications).

NM_001388453.1(QRICH2):c.3214C>T (p.His1072Tyr)

Gene: QRICH2 (glutamine rich 2; minus strand). Cytogenetic location: 17q25.1.
Variant type: single nucleotide variant.
Coding change: c.3214C>T on transcript NM_001388453.1 (MANE Select); coding-DNA position 3214, C replaced by T.
Protein change: p.His1072Tyr; replaces histidine 1072 with tyrosine.
Molecular consequence: missense variant.
Genome position (GRCh38, 1-based): chr17:76,291,513, G>A on the plus strand (C>T on the coding strand, the complement: QRICH2 is on the minus strand). VCF-style: chr17-76291513-G-A. GRCh37 (hg19) VCF-style: chr17-74287594-G-A.
Other names: c.3214C>T, p.His1072Tyr (NM_032134.3); short protein forms H1072Y.
Identifiers: ClinVar variation 3060831 (VCV003060831.2), dbSNP rs2279054, ClinGen allele CA8783882.